The following is an entry in ClinVar:

ClinVar aggregate classification (germline): Uncertain significance (1 of 4 stars; one submission).

Conditions:
Neurodegeneration with brain iron accumulation 6 (NBIA6). Also called: COASY protein-associated neurodegeneration. Identifiers: Orphanet 397725, MedGen C4517377, MONDO:0014290, OMIM 615643.

Allele frequency attached by ClinVar (database versions not stated): TOPMed below 0.00001; ExAC 0.00002; gnomAD exomes 0.00003; ESP Exome Variant Server 0.00008.
gnomAD v4.1: 38 of 1,614,056 alleles (0.0024%); highest among the groups gnomAD compares: Non-Finnish European, 0.0032%; no homozygotes.

Submission:

Labcorp Genetics (formerly Invitae), Labcorp
Classification: Uncertain significance for Neurodegeneration with brain iron accumulation 6. Last evaluated: 2022-04-28. Review status: criteria provided, single submitter. Criteria: Invitae Variant Classification Sherloc (09022015). Collection method: clinical testing. Allele origin: germline.
Comment: In summary, the available evidence is currently insufficient to determine the role of this variant in disease. Therefore, it has been classified as a Variant of Uncertain Significance. Algorithms developed to predict the effect of missense changes on protein structure and function are either unavailable or do not agree on the potential impact of this missense change (SIFT: "Deleterious"; PolyPhen-2: "Benign"; Align-GVGD: "Class C0"). This variant has not been reported in the literature in individuals affected with COASY-related conditions. This variant is present in population databases (rs369027722, gnomAD 0.007%). This sequence change replaces serine, which is neutral and polar, with cysteine, which is neutral and slightly polar, at codon 154 of the COASY protein (p.Ser154Cys).

NM_025233.7(COASY):c.461C>G (p.Ser154Cys)

Gene: COASY (Coenzyme A synthase; plus strand). Cytogenetic location: 17q21.2.
Variant type: single nucleotide variant.
Coding change: c.461C>G on transcript NM_025233.7 (MANE Select); coding-DNA position 461, C replaced by G.
Protein change: p.Ser154Cys; replaces serine 154 with cysteine.
Molecular consequence: missense variant.
Genome position (GRCh38, 1-based): chr17:42,563,083, C>G. VCF-style: chr17-42563083-C-G. GRCh37 (hg19) VCF-style: chr17-40715101-C-G.
Other names: c.461C>G, p.Ser154Cys (NM_001042529.3); c.548C>G, p.Ser183Cys (NM_001042532.4); short protein forms S154C, S183C.
Identifiers: ClinVar variation 2197576 (VCV002197576.4), dbSNP rs369027722, ClinGen allele CA8577984.